The following is an entry in ClinVar:

NM_020822.3(KCNT1):c.110+57dup

Gene: KCNT1 (potassium sodium-activated channel subfamily T member 1; plus strand). Cytogenetic location: 9q34.3.
Variant type: Duplication.
Coding change: c.110+57dup on transcript NM_020822.3 (MANE Select); 57 bases into the intron after coding-DNA position 110, one base duplicated (C; older notation c.110+57dupC).
Molecular consequence: intron variant.
Genome position (GRCh38, 1-based): chr9:135,702,425, C duplicated; the last of 5 consecutive C bases (chr9:135,702,421-135,702,425); duplicating any one gives the same sequence. VCF-style (leftmost placement, unchanged base first): chr9-135702420-A-AC. GRCh37 (hg19) VCF-style: chr9-138594266-A-AC.
Other names: c.110+57dup (NM_001272003.2).
Identifiers: ClinVar variation 1242621 (VCV001242621.4), dbSNP rs5901089, ClinGen allele CA5326277.

ClinVar aggregate classification (germline): Benign. Review status: criteria provided, multiple submitters, no conflicts (2 of 4 stars). 2 submissions from 2 submitters: Benign (2). Last evaluated 2024-07-15.

Submissions (2):

Unidad de Genómica Garrahan, Hospital de Pediatría Garrahan
Classification: Benign. Last evaluated: 2024-07-15. Review status: criteria provided, single submitter. Criteria: ACMG Guidelines, 2015. Collection method: clinical testing. Allele origin: germline. Affected: no. Observed: 86 variant alleles.
Comment: This variant is classified as Benign based on local population frequency. This variant was detected in 92% of patients studied in a panel designed for Epileptic and Developmental Encephalopathy and Progressive Myoclonus Epilepsy. Number of patients: 86. Only high quality variants are reported.

GeneDx
Classification: Benign. Last evaluated: 2018-07-09. Review status: criteria provided, single submitter. Criteria: GeneDx Variant Classification Process June 2021. Collection method: clinical testing. Allele origin: germline. Affected: yes.